The following is an entry in ClinVar:

ClinVar aggregate classification (germline): Uncertain significance (1 of 4 stars; one submission).

Conditions:
Ichthyosis linearis circumflexa. Identifiers: MedGen C0265962, MONDO:0043106, HP:0025810.

Allele frequency attached by ClinVar (database versions not stated): TOPMed 0.00001; ExAC 0.00002; gnomAD exomes 0.00002; ESP Exome Variant Server 0.00008.
gnomAD v4.1: 28 of 1,612,416 alleles (0.0017%); highest among the groups gnomAD compares: Admixed American, 0.005%; no homozygotes.

Submission:

Labcorp Genetics (formerly Invitae), Labcorp
Classification: Uncertain significance for Ichthyosis linearis circumflexa. Last evaluated: 2022-10-17. Review status: criteria provided, single submitter. Criteria: Invitae Variant Classification Sherloc (09022015). Collection method: clinical testing. Allele origin: germline.
Comment: Advanced modeling of protein sequence and biophysical properties (such as structural, functional, and spatial information, amino acid conservation, physicochemical variation, residue mobility, and thermodynamic stability) performed at Invitae indicates that this missense variant is not expected to disrupt SPINK5 protein function. In summary, the available evidence is currently insufficient to determine the role of this variant in disease. Therefore, it has been classified as a Variant of Uncertain Significance. This variant has not been reported in the literature in individuals affected with SPINK5-related conditions. This variant is present in population databases (rs368748670, gnomAD 0.009%). This sequence change replaces isoleucine, which is neutral and non-polar, with threonine, which is neutral and polar, at codon 318 of the SPINK5 protein (p.Ile318Thr).

NM_006846.4(SPINK5):c.953T>C (p.Ile318Thr)

Gene: SPINK5 (serine peptidase inhibitor Kazal type 5; plus strand). Cytogenetic location: 5q32.
Variant type: single nucleotide variant.
Coding change: c.953T>C on transcript NM_006846.4 (MANE Select); coding-DNA position 953, T replaced by C.
Protein change: p.Ile318Thr; replaces isoleucine 318 with threonine.
Molecular consequence: missense variant.
Genome position (GRCh38, 1-based): chr5:148,097,937, T>C. VCF-style: chr5-148097937-T-C. GRCh37 (hg19) VCF-style: chr5-147477500-T-C.
Other names: c.953T>C, p.Ile318Thr (NM_001127698.2, NM_001127699.2); short protein forms I318T.
Identifiers: ClinVar variation 2191478 (VCV002191478.2), dbSNP rs368748670, ClinGen allele CA3495417.